The following is an entry in ClinVar:

ClinVar aggregate classification (germline): Pathogenic (1 of 4 stars; one submission).

Conditions:
Developmental and epileptic encephalopathy, 42 (DEE42A). Also called: DEVELOPMENTAL AND EPILEPTIC ENCEPHALOPATHY 42A; EPILEPTIC ENCEPHALOPATHY, EARLY INFANTILE, 42A; Epileptic encephalopathy, early infantile, 42. Identifiers: MedGen C4310716, MONDO:0014917, OMIM 617106.
Episodic ataxia type 2 (EA2). Also called: ATAXIA, EPISODIC, WITH NYSTAGMUS; ATAXIA, FAMILIAL PAROXYSMAL; CEREBELLAR ATAXIA, PAROXYSMAL, ACETAZOLAMIDE-RESPONSIVE; ACETAZOLAMIDE-RESPONSIVE HEREDITARY PAROXYSMAL CEREBELLAR ATAXIA; CEREBELLOPATHY, HEREDITARY PAROXYSMAL; EPISODIC ATAXIA, NYSTAGMUS-ASSOCIATED. Identifiers: Orphanet 97, MedGen C1720416, MONDO:0007163, OMIM 108500.

Submission:

Labcorp Genetics (formerly Invitae), Labcorp
Classification: Pathogenic for Developmental and epileptic encephalopathy, 42; Episodic ataxia type 2. Last evaluated: 2023-01-09. Review status: criteria provided, single submitter. Criteria: Invitae Variant Classification Sherloc (09022015). Collection method: clinical testing. Allele origin: germline.
Comment: For these reasons, this variant has been classified as Pathogenic. Algorithms developed to predict the effect of sequence changes on RNA splicing suggest that this variant may disrupt the consensus splice site. ClinVar contains an entry for this variant (Variation ID: 961055). Disruption of this splice site has been observed in individuals with CACNA1A-related conditions (PMID: 24658662; Invitae). It has also been observed to segregate with disease in related individuals. This variant is not present in population databases (gnomAD no frequency). This sequence change affects a donor splice site in intron 19 of the CACNA1A gene. It is expected to disrupt RNA splicing. Variants that disrupt the donor or acceptor splice site typically lead to a loss of protein function (PMID: 16199547), and loss-of-function variants in CACNA1A are known to be pathogenic (PMID: 10371528, 19486177, 25735478, 27250579).

Literature cited by the submitters: PubMed 24658662; PubMed 16199547; PubMed 10371528; PubMed 19486177; PubMed 25735478; PubMed 27250579.

NM_001127222.2(CACNA1A):c.3089+1G>A

Gene: CACNA1A (calcium voltage-gated channel subunit alpha1 A; minus strand). Cytogenetic location: 19p13.13.
Variant type: single nucleotide variant.
Coding change: c.3089+1G>A on transcript NM_001127222.2 (MANE Select); the canonical splice donor site of the intron after coding-DNA position 3089, G replaced by A.
Molecular consequence: splice donor variant.
Genome position (GRCh38, 1-based): chr19:13,298,543, C>T on the plus strand (G>A on the coding strand, the complement: CACNA1A is on the minus strand). VCF-style: chr19-13298543-C-T. GRCh37 (hg19) VCF-style: chr19-13409357-C-T.
Other names: c.3092+1G>A (NM_001127221.2, NM_001174080.2); c.3101+1G>A (NM_000068.4, NM_023035.3).
Identifiers: ClinVar variation 961055 (VCV000961055.10), dbSNP rs2057717676, ClinGen allele CA404342090.